The following is an entry in ClinVar:

ClinVar aggregate classification (germline): Uncertain significance (1 of 4 stars; one submission).

Conditions:
Hereditary cancer-predisposing syndrome. Also called: Neoplastic Syndromes, Hereditary; Tumor predisposition; Hereditary neoplastic syndrome; Hereditary Cancer Syndrome. Identifiers: Orphanet 140162, MedGen C0027672, MeSH D009386, MONDO:0015356.

Submission:

Ambry Genetics
Classification: Uncertain significance for Hereditary cancer-predisposing syndrome. Last evaluated: 2026-08-08. Review status: criteria provided, single submitter. Criteria: Ambry Variant Classification Scheme 2023. Collection method: clinical testing. Allele origin: germline.
Comment: The p.D1181A variant (also known as c.3542A>C), located in coding exon 6 of the MSH6 gene, results from an A to C substitution at nucleotide position 3542. The aspartic acid at codon 1181 is replaced by alanine, an amino acid with dissimilar properties. This amino acid position is conserved. In addition, this alteration is predicted to be deleterious by in silico analysis. Based on the available evidence, the clinical significance of this variant remains unclear.

NM_000179.3(MSH6):c.3542A>C (p.Asp1181Ala)

Gene: MSH6 (mutS homolog 6; plus strand). Cytogenetic location: 2p16.3.
Variant type: single nucleotide variant.
Coding change: c.3542A>C on transcript NM_000179.3 (MANE Select); coding-DNA position 3542, A replaced by C.
Protein change: p.Asp1181Ala; replaces aspartic acid 1181 with alanine.
Molecular consequence: missense variant. On other transcripts: non-coding transcript variant (4).
Genome position (GRCh38, 1-based): chr2:47,805,013, A>C. VCF-style: chr2-47805013-A-C. GRCh37 (hg19) VCF-style: chr2-48032152-A-C.
Other names: c.3017A>C, p.Asp1006Ala (NM_001406799.1, NM_001406806.1, NM_001406807.1); c.3542A>C, p.Asp1181Ala (NM_001406800.1, NM_001406808.1, NM_001406796.1 and 1 more transcripts); c.3245A>C, p.Asp1082Ala (NM_001406801.1, NM_001406805.1, NM_001406797.1 and 10 more transcripts); c.3638A>C, p.Asp1213Ala (NM_001406802.1, NM_001406795.1); c.2678A>C, p.Asp893Ala (NM_001406803.1); c.3464A>C, p.Asp1155Ala (NM_001406804.1); c.3152A>C, p.Asp1051Ala (NM_001281492.2); c.2636A>C, p.Asp879Ala (NM_001281493.2, NM_001281494.2, NM_001406811.1 and 6 more transcripts); and 7 more; short protein forms D1051A, D1181A, D1183A, D496A, D879A, D1123A, D659A, D893A.
Identifiers: ClinVar variation 5024925 (VCV005024925.1).
Genomic context (GRCh38, chr2:47,805,013, plus strand): 5'-CTGCTGAAGTGTGCAGGCTCACACCAATTGATAGAGTGTTTACTAGACTTGGTGCCTCAG[A>C]CAGAATAATGTCAGGTGAGTTTTTTGTTTCCCACTTAAGTTCTCATTCAGTCATTTAGAT-3'
Protein context (NP_000170.1, residues 1171-1191): DRVFTRLGAS[Asp1181Ala]RIMSGESTFF